The following is an entry in ClinVar:

ClinVar aggregate classification (germline): Uncertain significance. Review status: criteria provided, multiple submitters, no conflicts (2 of 4 stars). 2 submissions from 2 submitters: Uncertain significance (2). Last evaluated 2024-06-10.

Conditions:
RASopathy. Also called: rasopathies; Noonan spectrum disorder. Identifiers: Orphanet 536391, MedGen C5555857, MONDO:0021060.
Cardiofaciocutaneous syndrome 3 (CFC3). Also called: MAP2K1-Related Cardiofaciocutaneous Syndrome. Identifiers: Orphanet 1340, MedGen C3809006, MONDO:0014113, OMIM 615279.
Melorheostosis (MEL). Also called: MELORHEOSTOSIS, ISOLATED. Identifiers: Orphanet 2485, MedGen C3149631, MONDO:0007970, OMIM 155950, HP:6000817.

gnomAD v4.1: 2 of 1,601,644 alleles (0.00012%); highest among the groups gnomAD compares: Admixed American, 0.0033%; no homozygotes.

Submissions (2):

Labcorp Genetics (formerly Invitae), Labcorp
Classification: Uncertain significance for RASopathy. Last evaluated: 2024-06-10. Review status: criteria provided, single submitter. Criteria: Invitae Variant Classification Sherloc (09022015). Collection method: clinical testing. Allele origin: germline.
Comment: This sequence change affects codon 170 of the MAP2K1 mRNA. It is a 'silent' change, meaning that it does not change the encoded amino acid sequence of the MAP2K1 protein. This variant is present in population databases (no rsID available, gnomAD 0.009%). This variant has not been reported in the literature in individuals affected with MAP2K1-related conditions. Algorithms developed to predict the effect of sequence changes on RNA splicing suggest that this variant may create or strengthen a splice site. In summary, the available evidence is currently insufficient to determine the role of this variant in disease. Therefore, it has been classified as a Variant of Uncertain Significance.

Fulgent Genetics
Classification: Uncertain significance for Melorheostosis; Cardiofaciocutaneous syndrome 3. Last evaluated: 2024-04-08. Review status: criteria provided, single submitter. Criteria: ACMG Guidelines, 2015. Collection method: clinical testing. Allele origin: germline.

NM_002755.4(MAP2K1):c.510C>T (p.Ser170=)

Gene: MAP2K1 (mitogen-activated protein kinase kinase 1; plus strand). Cytogenetic location: 15q22.31.
Variant type: single nucleotide variant.
Coding change: c.510C>T on transcript NM_002755.4 (MANE Select); coding-DNA position 510, C replaced by T.
Protein change: p.Ser170=; no amino-acid change (serine 170 retained).
Molecular consequence: synonymous variant. On other transcripts: intron variant (1).
Genome position (GRCh38, 1-based): chr15:66,443,351, C>T. VCF-style: chr15-66443351-C-T. GRCh37 (hg19) VCF-style: chr15-66735689-C-T.
Other names: c.373-1305C>T (NM_001411065.1).
Identifiers: ClinVar variation 3577603 (VCV003577603.3).